The following is an entry in ClinVar:

NM_004111.6(FEN1):c.243C>T (p.Pro81=)

Gene: FEN1 (flap structure-specific endonuclease 1; plus strand). Cytogenetic location: 11q12.2.
Variant type: single nucleotide variant.
Coding change: c.243C>T on transcript NM_004111.6 (MANE Select); coding-DNA position 243, C replaced by T.
Protein change: p.Pro81=; no amino-acid change (proline 81 retained).
Molecular consequence: synonymous variant.
Genome position (GRCh38, 1-based): chr11:61,795,604, C>T. VCF-style: chr11-61795604-C-T. GRCh37 (hg19) VCF-style: chr11-61563076-C-T.
Identifiers: ClinVar variation 4083838 (VCV004083838.8).
Genomic context (GRCh38, chr11:61,795,604, plus strand): 5'-CAGCCACCTGATGGGCATGTTCTACCGCACCATTCGCATGATGGAGAACGGCATCAAGCC[C>T]GTGTATGTCTTTGATGGCAAGCCGCCACAGCTCAAGTCAGGCGAGCTGGCCAAACGCAGT-3'
Protein context (NP_004102.1, residues 71-91): TIRMMENGIK[Pro81=]VYVFDGKPPQ

ClinVar aggregate classification (germline): Likely benign (1 of 4 stars; one submission).

gnomAD v4.1: 41 of 1,614,146 alleles (0.0025%); highest among the groups gnomAD compares: African/African-American, 0.017%; no homozygotes.

Submission:

CeGaT Center for Human Genetics Tuebingen
Classification: Likely benign. Last evaluated: 2025-06-01. Review status: criteria provided, single submitter. Criteria: CeGaT Center For Human Genetics Tuebingen Variant Classification Criteria Version 2. Collection method: clinical testing. Allele origin: germline. Affected: yes. Observed: 1 variant allele.
Comment: FEN1: BP4, BP7